The following is an entry in ClinVar:

ClinVar aggregate classification (germline): Uncertain significance (1 of 4 stars; one submission).

Submission:

GeneDx
Classification: Uncertain significance. Last evaluated: 2024-02-29. Review status: criteria provided, single submitter. Criteria: GeneDx Variant Classification Process June 2021. Collection method: clinical testing. Allele origin: germline. Affected: yes.
Comment: Not observed at significant frequency in large population cohorts (gnomAD); In silico analysis supports that this missense variant has a deleterious effect on protein structure/function; Has not been previously published as pathogenic or benign to our knowledge

NM_080552.3(SLC32A1):c.650C>G (p.Thr217Arg)

Gene: SLC32A1 (solute carrier family 32 member 1; plus strand). Cytogenetic location: 20q11.23.
Variant type: single nucleotide variant.
Coding change: c.650C>G on transcript NM_080552.3 (MANE Select); coding-DNA position 650, C replaced by G.
Protein change: p.Thr217Arg; replaces threonine 217 with arginine.
Molecular consequence: missense variant.
Genome position (GRCh38, 1-based): chr20:38,727,711, C>G. VCF-style: chr20-38727711-C-G. GRCh37 (hg19) VCF-style: chr20-37356354-C-G.
Other names: short protein forms T217R.
Identifiers: ClinVar variation 3373535 (VCV003373535.1).